The following is an entry in ClinVar:

NM_000169.3(GLA):c.1244T>G (p.Leu415Arg)

Genes: GLA (galactosidase alpha; minus strand), RPL36A-HNRNPH2 (RPL36A-HNRNPH2 readthrough; plus strand). Cytogenetic location: Xq22.1.
Variant type: single nucleotide variant.
Coding change: c.1244T>G on transcript NM_000169.3 (MANE Select); coding-DNA position 1244, T replaced by G.
Protein change: p.Leu415Arg; replaces leucine 415 with arginine.
Molecular consequence: missense variant. On other transcripts: non-coding transcript variant (3), intron variant (2).
Genome position (GRCh38, 1-based): chrX:101,397,855, A>C on the plus strand (T>G on the coding strand, the complement: GLA is on the minus strand). VCF-style: chrX-101397855-A-C. GRCh37 (hg19) VCF-style: chrX-100652843-A-C.
Other names: c.1367T>G, p.Leu456Arg (NM_001406747.1); c.300+2398A>C (NM_001199973.2); c.177+6033A>C (NM_001199974.2); short protein forms L415R, L456R.
Identifiers: ClinVar variation 981075 (VCV000981075.4), dbSNP rs112341092, ClinGen allele CA413919010.

ClinVar aggregate classification (germline): Conflicting classifications of pathogenicity. Review status: criteria provided, conflicting classifications (1 of 4 stars). 2 submissions from 2 submitters: Likely pathogenic (1); Uncertain significance (1). Last evaluated 2026-09-08.

Conditions:
Fabry disease. Also called: ALPHA-GALACTOSIDASE A DEFICIENCY; CERAMIDE TRIHEXOSIDASE DEFICIENCY; GLA DEFICIENCY; HEREDITARY DYSTOPIC LIPIDOSIS; Angiokeratoma corporis diffusum; Fabry's disease. Identifiers: Orphanet 324, MedGen C0002986, MONDO:0010526, OMIM 301500, HP:0001071. Disease mechanism: loss of function, Fabry disease is due to inactivating mutations in the X-linked GLA gene resulting in deficiency of the enzyme Alpha Galactosidase-A..

Submissions (2):

Genomenon, Inc
Classification: Likely pathogenic for Fabry disease. Last evaluated: 2026-09-08. Review status: criteria provided, single submitter. Criteria: Genomenon Sequence Variant Interpretation Standards - Updated. Collection method: curation. Allele origin: germline. Affected: yes.
Comment: GLA p.Leu415Arg (c.1244T>G) is a missense variant that changes the amino acid at codon 415 from Leucine to Arginine. This variant has been observed in at least one proband with clinical features consistent with Fabry disease (PMID:26298600). Functional or patient cell studies have been reported (PMID:26298600;33915609). The presence of pathogenic/likely pathogenic missense variant(s) at the same amino acid position indicates that this residue is likely important for protein function. It is absent or not present at a significant frequency in gnomAD. In silico models predict that this variant is possibly or probably damaging. In conclusion, we classify GLA p.Leu415Arg (c.1244T>G) as a likely pathogenic variant.

Women's Health and Genetics/Laboratory Corporation of America, LabCorp
Classification: Uncertain significance. Last evaluated: 2021-07-02. Review status: criteria provided, single submitter. Criteria: LabCorp Variant Classification Summary - May 2015. Collection method: clinical testing. Allele origin: germline.
Comment: Variant summary: GLA c.1244T>G (p.Leu415Arg) results in a non-conservative amino acid change in the encoded protein sequence. Five of five in-silico tools predict a damaging effect of the variant on protein function. A different missense variant at the same codon, namely, GLA c.1244T>C (p.Leu415Pro) has been reported in patients with classic Fabry Disease supporting the functional relevance of this residue to GLA enzyme structure and function. The variant was absent in 183414 control chromosomes (gnomAD). It has also been subsequently cited by others (Reisin_2018). These data indicate that the variant may be associated with disease. At least one publication reports experimental evidence evaluating an impact on protein function, however, does not allow convincing conclusions about the variant effect due to the high rate of expected false negative results (variable tissue expression of alpha-Gal A because of the random inactivation of the X chromosome) (Romani_2015). No other clinical diagnostic laboratories have submitted clinical-significance assessments for this variant to ClinVar after 2014. Based on the evidence outlined above, the variant was classified as VUS-possibly pathogenic.

Literature cited by the submitters: PubMed 26298600 (cited by Genomenon, Inc and Women's Health and Genetics/Laboratory Corporation of America, LabCorp); PubMed 33915609 (cited by Genomenon, Inc); PubMed 29330335 (cited by Women's Health and Genetics/Laboratory Corporation of America, LabCorp); PubMed 29132836 (cited by Women's Health and Genetics/Laboratory Corporation of America, LabCorp).